The following is an entry in ClinVar:

ClinVar aggregate classification (germline): Conflicting classifications of pathogenicity. Review status: criteria provided, conflicting classifications (1 of 4 stars). 5 submissions from 5 submitters: Pathogenic (1); Likely pathogenic (3); Uncertain significance (1). Last evaluated 2024-12-31.

Conditions:
Spastic paraplegia. Identifiers: MedGen C0037772, HP:0001258.
Hereditary spastic paraplegia. Also called: Familial spastic paraparesis. Identifiers: Orphanet 685, MedGen C0037773, MONDO:0019064. Disease mechanism: loss of function.

Allele frequency attached by ClinVar (database versions not stated): ExAC 0.00001; gnomAD 0.00001; gnomAD exomes 0.00001 and 0.00002; TOPMed 0.00001.
gnomAD v4.1: 29 of 1,613,828 alleles (0.0018%); highest among the groups gnomAD compares: Non-Finnish European, 0.0025%; no homozygotes.

Submissions (5):

Genetic Services Laboratory, University of Chicago
Classification: Likely pathogenic. Last evaluated: 2024-12-31. Review status: criteria provided, single submitter. Criteria: ACMG Guidelines, 2015. Collection method: clinical testing. Allele origin: germline. Affected: yes.
Comment: DNA sequence analysis of the ERLIN2 gene demonstrated a sequence change, c.899A>T, in exon 12 that results in an amino acid change, p.Asp300Val. The p.Asp300Val change affects a moderately conserved amino acid residue located in a domain of the ERLIN2 protein that is not known to be functional. This sequence change has been previously described in the homozygous state in individuals with hereditary spastic paraplegia and has been shown to segregate with disease in affected families (PMID: 28832565). This sequence change has been described in the gnomAD database with a frequency of 0.0018% in the Non-Finnish European subpopulation (dbSNP rs763958615). In-silico pathogenicity prediction tools (SIFT, PolyPhen2, Align GVGD, REVEL) provide contradictory results for the p.Asp300Val substitution. Taken together, the available evidence indicates that this sequence change is likely pathogenic.

Mayo Clinic Laboratories, Mayo Clinic
Classification: Likely pathogenic. Last evaluated: 2024-03-15. Review status: criteria provided, single submitter. Criteria: ACMG Guidelines, 2015. Collection method: clinical testing. Allele origin: germline. Observed: 1 variant allele.
Comment: PP1_strong, PM2, PM3_supporting

Labcorp Genetics (formerly Invitae), Labcorp
Classification: Pathogenic for Spastic paraplegia. Last evaluated: 2021-07-16. Review status: criteria provided, single submitter. Criteria: Invitae Variant Classification Sherloc (09022015). Collection method: clinical testing. Allele origin: germline.
Comment: This sequence change replaces aspartic acid with valine at codon 300 of the ERLIN2 protein (p.Asp300Val). The aspartic acid residue is highly conserved and there is a large physicochemical difference between aspartic acid and valine. For these reasons, this variant has been classified as Pathogenic. Algorithms developed to predict the effect of missense changes on protein structure and function (SIFT, PolyPhen-2, Align-GVGD) all suggest that this variant is likely to be disruptive, but these predictions have not been confirmed by published functional studies and their clinical significance is uncertain. This variant has been observed in individual(s) with hereditary spastic paraplegia (PMID: 28832565, Invitae). It has also been observed to segregate with disease in related individuals. ClinVar contains an entry for this variant (Variation ID: 424656). This variant is present in population databases (rs763958615, ExAC 0.001%).

Genome Diagnostics Laboratory, The Hospital for Sick Children
Classification: Uncertain significance for Hereditary spastic paraplegia. Last evaluated: 2018-07-01. Review status: criteria provided, single submitter. Criteria: ACMG Guidelines, 2015. Collection method: clinical testing. Allele origin: germline. Affected: yes.

Unit for Genetic & Epidemiological Research on Neurological Disorders, Instituto de Investigação e Inovação em Saúde
Classification: Likely pathogenic for Hereditary spastic paraplegia. Last evaluated: 2017-03-07. Review status: criteria provided, single submitter. Criteria: Morais et al. (Eur J Hum Genet. 2017). Collection method: research. Allele origin: inherited. Affected: yes.

Literature cited by the submitters: PubMed 28832565 (cited by Mayo Clinic Laboratories, Mayo Clinic and Labcorp Genetics (formerly Invitae), Labcorp); PubMed 29528531 (cited by Mayo Clinic Laboratories, Mayo Clinic); PubMed 32042907 (cited by Mayo Clinic Laboratories, Mayo Clinic); PubMed 33397523 (cited by Mayo Clinic Laboratories, Mayo Clinic); PubMed 33810837 (cited by Mayo Clinic Laboratories, Mayo Clinic); PubMed 34734492 (cited by Mayo Clinic Laboratories, Mayo Clinic); PubMed 38427163 (cited by Mayo Clinic Laboratories, Mayo Clinic).

NM_007175.8(ERLIN2):c.899A>T (p.Asp300Val)

Gene: ERLIN2 (ER lipid raft associated 2; plus strand). Cytogenetic location: 8p11.23.
Variant type: single nucleotide variant.
Coding change: c.899A>T on transcript NM_007175.8 (MANE Select); coding-DNA position 899, A replaced by T.
Protein change: p.Asp300Val; replaces aspartic acid 300 with valine.
Molecular consequence: missense variant.
Genome position (GRCh38, 1-based): chr8:37,753,994, A>T. VCF-style: chr8-37753994-A-T. GRCh37 (hg19) VCF-style: chr8-37611512-A-T.
Other names: p.Asp300Val; c.899A>T, p.Asp300Val (NM_001362878.2); short protein forms D300V.
Identifiers: ClinVar variation 424656 (VCV000424656.14), dbSNP rs763958615, ClinGen allele CA4711041.
Genomic context (GRCh38, chr8:37,753,994, plus strand): 5'-ATCTGCAGCTGATGAAGTACAAGGCCATTGCTTCCAACAGCAAGATTTACTTTGGCAAAG[A>T]CATTCCTAACATGTTCATGGACTCTGCGGGCAGTGTGAGCAAGCAGTTTGAGGGGCTAGC-3'
Protein context (NP_009106.1, residues 290-310): ASNSKIYFGK[Asp300Val]IPNMFMDSAG